The following is an entry in ClinVar:

NM_001366900.1(TTC21A):c.272G>A (p.Arg91Gln)

Gene: TTC21A (tetratricopeptide repeat domain 21A; plus strand). Cytogenetic location: 3p22.2.
Variant type: single nucleotide variant.
Coding change: c.272G>A on transcript NM_001366900.1 (MANE Select); coding-DNA position 272, G replaced by A.
Protein change: p.Arg91Gln; replaces arginine 91 with glutamine.
Molecular consequence: missense variant. On other transcripts: non-coding transcript variant (3).
Genome position (GRCh38, 1-based): chr3:39,110,854, G>A. VCF-style: chr3-39110854-G-A. GRCh37 (hg19) VCF-style: chr3-39152345-G-A.
Other names: c.272G>A, p.Arg91Gln (NM_001105513.3, NM_001366899.1, NM_145755.3); short protein forms R91Q.
Identifiers: ClinVar variation 3060399 (VCV003060399.2), dbSNP rs1112438, ClinGen allele CA2324005.

ClinVar aggregate classification (germline): Benign (0 of 4 stars; one submission).

Conditions:
TTC21A-related disorder. Also called: TTC21A-related condition.

Allele frequency attached by ClinVar (database versions not stated): gnomAD 0.34490; 1000 Genomes Project 0.34764; ESP Exome Variant Server 0.35120; 1000 Genomes Project 30x 0.35322; TOPMed 0.35516.
gnomAD v4.1: 458,089 of 1,613,108 alleles (28%); highest among the groups gnomAD compares: African/African-American, 52%; 67,845 homozygotes.

Submission:

PreventionGenetics, part of Exact Sciences
Classification: Benign for TTC21A-related condition. Last evaluated: 2019-10-30. Review status: no assertion criteria provided. Collection method: clinical testing. Allele origin: germline.
Comment: This variant is classified as benign based on ACMG/AMP sequence variant interpretation guidelines (Richards et al. 2015 PMID: 25741868, with internal and published modifications).